The following is an entry in ClinVar:

ClinVar aggregate classification (germline): Uncertain significance (1 of 4 stars; one submission).

Conditions:
Ataxia-telangiectasia syndrome (AT). Also called: LOUIS-BAR SYNDROME; Cerebello-oculocutaneous telangiectasia; Immunodeficiency with ataxia telangiectasia; Ataxia-telangiectasia, complementation group D; AT, COMPLEMENTATION GROUP C; ATAXIA-TELANGIECTASIA, COMPLEMENTATION GROUP A. Identifiers: Orphanet 100, MedGen C0004135, MONDO:0008840, OMIM 208900.

Submission:

Labcorp Genetics (formerly Invitae), Labcorp
Classification: Uncertain significance for Ataxia-telangiectasia syndrome. Last evaluated: 2025-03-19. Review status: criteria provided, single submitter. Criteria: Invitae Variant Classification Sherloc (09022015). Collection method: clinical testing. Allele origin: germline.
Comment: This sequence change falls in intron 44 of the ATM gene. It does not directly change the encoded amino acid sequence of the ATM protein. This variant is not present in population databases (gnomAD no frequency). This variant has not been reported in the literature in individuals affected with ATM-related conditions. Algorithms developed to predict the effect of sequence changes on RNA splicing suggest that this variant may disrupt the consensus splice site. In summary, the available evidence is currently insufficient to determine the role of this variant in disease. Therefore, it has been classified as a Variant of Uncertain Significance.

NM_000051.4(ATM):c.6453-12T>C

Genes: ATM (ATM serine/threonine kinase; plus strand), C11orf65 (chromosome 11 open reading frame 65; minus strand). Cytogenetic location: 11q22.3.
Variant type: single nucleotide variant.
Coding change: c.6453-12T>C on transcript NM_000051.4 (MANE Select); 12 bases into the intron before coding-DNA position 6453, T replaced by C.
Molecular consequence: intron variant.
Genome position (GRCh38, 1-based): chr11:108,321,289, T>C. VCF-style: chr11-108321289-T-C. GRCh37 (hg19) VCF-style: chr11-108192016-T-C.
Other names: c.6453-12T>C (NM_001351834.2); c.641-12218A>G (NM_001330368.2); c.*39-12218A>G (NM_001351110.2).
Identifiers: ClinVar variation 4804991 (VCV004804991.1).